The following is an entry in ClinVar:

NM_003998.4(NFKB1):c.1897A>G (p.Ser633Gly)

Gene: NFKB1 (nuclear factor kappa B subunit 1; plus strand). Cytogenetic location: 4q24.
Variant type: single nucleotide variant.
Coding change: c.1897A>G on transcript NM_003998.4 (MANE Select); coding-DNA position 1897, A replaced by G.
Protein change: p.Ser633Gly; replaces serine 633 with glycine.
Molecular consequence: missense variant.
Genome position (GRCh38, 1-based): chr4:102,606,640, A>G. VCF-style: chr4-102606640-A-G. GRCh37 (hg19) VCF-style: chr4-103527797-A-G.
Other names: c.1894A>G, p.Ser632Gly (NM_001165412.2, NM_001319226.2, NM_001382627.1); c.1897A>G, p.Ser633Gly (NM_001382625.1, NM_001382626.1); c.1855A>G, p.Ser619Gly (NM_001382628.1); short protein forms S619G, S632G, S633G.
Identifiers: ClinVar variation 4626101 (VCV004626101.2).

ClinVar aggregate classification (germline): Uncertain significance. Review status: criteria provided, multiple submitters, no conflicts (2 of 4 stars). 2 submissions from 2 submitters: Uncertain significance (2). Last evaluated 2026-01-08.

Conditions:
Inborn genetic diseases. Identifiers: MedGen C0950123, MeSH D030342.

gnomAD v4.1: 55 of 1,614,104 alleles (0.0034%); highest among the groups gnomAD compares: South Asian, 0.055%; no homozygotes.

Submissions (2):

Labcorp Genetics (formerly Invitae), Labcorp
Classification: Uncertain significance. Last evaluated: 2026-01-08. Review status: criteria provided, single submitter. Criteria: Invitae Variant Classification Sherloc (09022015). Collection method: clinical testing. Allele origin: germline.
Comment: This sequence change replaces serine, which is neutral and polar, with glycine, which is neutral and non-polar, at codon 633 of the NFKB1 protein (p.Ser633Gly). This variant is present in population databases (rs766156098, gnomAD 0.06%), and has an allele count higher than expected for a pathogenic variant. This variant has not been reported in the literature in individuals affected with NFKB1-related conditions. Invitae Evidence Modeling of protein sequence and biophysical properties (such as structural, functional, and spatial information, amino acid conservation, physicochemical variation, residue mobility, and thermodynamic stability) indicates that this missense variant is not expected to disrupt NFKB1 protein function with a negative predictive value of 80%. Experimental studies have shown that this missense change does not substantially affect NFKB1 function (PMID: 34473196). In summary, the available evidence is currently insufficient to determine the role of this variant in disease. Therefore, it has been classified as a Variant of Uncertain Significance.

Ambry Genetics
Classification: Uncertain significance for Inborn genetic diseases. Last evaluated: 2025-12-11. Review status: criteria provided, single submitter. Criteria: Ambry Variant Classification Scheme 2023. Collection method: clinical testing. Allele origin: germline.

Literature cited by the submitters: PubMed 34473196 (cited by Labcorp Genetics (formerly Invitae), Labcorp).